The following is an entry in ClinVar:

NM_033380.3(COL4A5):c.1632del (p.Gly545fs)

Gene: COL4A5 (collagen type IV alpha 5 chain; plus strand). Cytogenetic location: Xq22.3.
Variant type: Deletion.
Coding change: c.1632del on transcript NM_033380.3 (MANE Select); coding-DNA position 1632, one base deleted (A; older notation c.1632delA).
Protein change: p.Gly545fs; shifts the reading frame from glycine 545.
Molecular consequence: frameshift variant.
Genome position (GRCh38, 1-based): chrX:108,597,421, A deleted; the last of 3 consecutive A bases (chrX:108,597,419-108,597,421); deleting any one gives the same sequence. VCF-style (leftmost placement, unchanged base first): chrX-108597418-TA-T. GRCh37 (hg19) VCF-style: chrX-107840648-TA-T.
Other names: c.1632del, p.Gly545fs (NM_000495.5); short protein forms G545fs.
Identifiers: ClinVar variation 4851575 (VCV004851575.1).

ClinVar aggregate classification (germline): Likely pathogenic (1 of 4 stars; one submission).

Conditions:
X-linked Alport syndrome (ATS1). Also called: NEPHROPATHY AND DEAFNESS, X-LINKED; COL4A5-Related Nephropathy. Identifiers: Orphanet 63, Orphanet 88917, MedGen C4746986, MONDO:0010520, OMIM 301050.

Submission:

CGC Genetics, Unilabs
Classification: Likely pathogenic for X-linked Alport syndrome. Last evaluated: 2025-08-27. Review status: criteria provided, single submitter. Criteria: ACMG Guidelines, 2015. Collection method: clinical testing. Allele origin: germline. Inheritance: X-linked inheritance. Affected: yes.
Comment: The NM_033380.3:c.1632del p.(Gly545Valfs*12) variant, detected in heterozygosity in exon 24 (of 53) of the COL4A5 gene (chr.X), is not described in the literature, in the ClinVar database nor in the gnomAD population database. This is a frameshift variant that introduces a premature stop codon, which in turn is predicted to lead to the creation of a truncated protein and/or a reduction of its expression by mRNA degradation. Based on currently available information, this variant should be classified as likely pathogenic.